The following is an entry in ClinVar:

ClinVar aggregate classification (germline): Uncertain significance (1 of 4 stars; one submission).

Conditions:
Ehlers-Danlos syndrome, classic type, 1 (EDSCL1). Also called: EHLERS-DANLOS SYNDROME, GRAVIS TYPE; EHLERS-DANLOS SYNDROME, SEVERE CLASSIC TYPE; Ehlers-Danlos syndrome, type 1; EDS I; Ehlers-Danlos Syndrome, Classic Type, COL5A1-Related. Identifiers: MedGen C0268335, MONDO:0019567, OMIM 130000.
Osteogenesis imperfecta type I (OI1). Also called: OI, TYPE I; OSTEOGENESIS IMPERFECTA TARDA; OSTEOGENESIS IMPERFECTA WITH BLUE SCLERAE; Osteogenesis imperfecta type 1; Lobstein's Disease; Lobstein disease. Identifiers: Orphanet 216796, Orphanet 666, MedGen C0023931, MONDO:0008146, OMIM 166200. Disease mechanism: loss of function.

Submission:

Labcorp Genetics (formerly Invitae), Labcorp
Classification: Uncertain significance for Osteogenesis imperfecta type I; Ehlers-Danlos syndrome, classic type, 1. Last evaluated: 2022-03-28. Review status: criteria provided, single submitter. Criteria: Invitae Variant Classification Sherloc (09022015). Collection method: clinical testing. Allele origin: germline.
Comment: In summary, the available evidence is currently insufficient to determine the role of this variant in disease. Therefore, it has been classified as a Variant of Uncertain Significance. Advanced modeling of protein sequence and biophysical properties (such as structural, functional, and spatial information, amino acid conservation, physicochemical variation, residue mobility, and thermodynamic stability) performed at Invitae indicates that this missense variant is not expected to disrupt COL1A2 protein function. This variant has not been reported in the literature in individuals affected with COL1A2-related conditions. This variant is not present in population databases (gnomAD no frequency). This sequence change replaces alanine, which is neutral and non-polar, with serine, which is neutral and polar, at codon 273 of the COL1A2 protein (p.Ala273Ser).

NM_000089.4(COL1A2):c.817G>T (p.Ala273Ser)

Gene: COL1A2 (collagen type I alpha 2 chain; plus strand). Cytogenetic location: 7q21.3.
Variant type: single nucleotide variant.
Coding change: c.817G>T on transcript NM_000089.4 (MANE Select); coding-DNA position 817, G replaced by T.
Protein change: p.Ala273Ser; replaces alanine 273 with serine.
Molecular consequence: missense variant.
Genome position (GRCh38, 1-based): chr7:94,409,346, G>T. VCF-style: chr7-94409346-G-T. GRCh37 (hg19) VCF-style: chr7-94038658-G-T.
Other names: short protein forms A273S.
Identifiers: ClinVar variation 2109367 (VCV002109367.4), dbSNP rs759205514, ClinGen allele CA368220589.